The following is an entry in ClinVar:

NM_001042492.3(NF1):c.5930A>C (p.Lys1977Thr)

Gene: NF1 (neurofibromin 1; plus strand). Cytogenetic location: 17q11.2.
Variant type: single nucleotide variant.
Coding change: c.5930A>C on transcript NM_001042492.3 (MANE Select); coding-DNA position 5930, A replaced by C.
Protein change: p.Lys1977Thr; replaces lysine 1977 with threonine.
Molecular consequence: missense variant.
Genome position (GRCh38, 1-based): chr17:31,334,955, A>C. VCF-style: chr17-31334955-A-C. GRCh37 (hg19) VCF-style: chr17-29661973-A-C.
Other names: c.5867A>C, p.Lys1956Thr (NM_000267.4); short protein forms K1956T, K1977T.
Identifiers: ClinVar variation 3879138 (VCV003879138.1).

ClinVar aggregate classification (germline): Uncertain significance (1 of 4 stars; one submission).

Conditions:
Cardiovascular phenotype. Identifiers: MedGen CN230736.
Hereditary cancer-predisposing syndrome. Also called: Tumor predisposition; Neoplastic Syndromes, Hereditary; Hereditary Cancer Syndrome; Hereditary neoplastic syndrome. Identifiers: Orphanet 140162, MedGen C0027672, MeSH D009386, MONDO:0015356.

Submission:

Ambry Genetics
Classification: Uncertain significance for Cardiovascular phenotype; Hereditary cancer-predisposing syndrome. Last evaluated: 2025-02-27. Review status: criteria provided, single submitter. Criteria: Ambry Variant Classification Scheme 2023. Collection method: clinical testing. Allele origin: germline.
Comment: The p.K1956T variant (also known as c.5867A>C), located in coding exon 39 of the NF1 gene, results from an A to C substitution at nucleotide position 5867. The lysine at codon 1956 is replaced by threonine, an amino acid with similar properties. This amino acid position is conserved. In addition, this alteration is predicted to be deleterious by in silico analysis. Based on the available evidence, the clinical significance of this variant remains unclear.